The following is an entry in ClinVar:

NM_032536.4(NTNG2):c.483G>A (p.Trp161Ter)

Gene: NTNG2 (netrin G2; plus strand). Cytogenetic location: 9q34.13.
Variant type: single nucleotide variant.
Coding change: c.483G>A on transcript NM_032536.4 (MANE Select); coding-DNA position 483, G replaced by A.
Protein change: p.Trp161Ter; replaces tryptophan 161 with a stop codon.
Molecular consequence: nonsense.
Genome position (GRCh38, 1-based): chr9:132,198,235, G>A. VCF-style: chr9-132198235-G-A. GRCh37 (hg19) VCF-style: chr9-135073622-G-A.
Other names: short protein forms W161*.
Identifiers: ClinVar variation 4292836 (VCV004292836.1).

ClinVar aggregate classification (germline): Pathogenic (1 of 4 stars; one submission).

Conditions:
Neurodevelopmental disorder with behavioral abnormalities, absent speech, and hypotonia. Identifiers: MedGen C5231471, MONDO:0032878, OMIM 618718.

Submission:

3billion
Classification: Pathogenic for Neurodevelopmental disorder with behavioral abnormalities, absent speech, and hypotonia. Last evaluated: 2025-02-11. Review status: criteria provided, single submitter. Criteria: ACMG Guidelines, 2015. Collection method: clinical testing. Allele origin: germline. Affected: yes.
Comment: The variant is observed at an extremely low frequency in the gnomAD v4.1.0 dataset (total allele frequency: <0.001%). Predicted Consequence/Location: Stop-gained (nonsense): predicted to result in a loss or disruption of normal protein function through nonsense-mediated decay (NMD) or protein truncation. Therefore, this variant is classified as Pathogenic according to the recommendation of ACMG/AMP guideline.